The following is an entry in ClinVar:

ClinVar aggregate classification (germline): Uncertain significance. Review status: criteria provided, multiple submitters, no conflicts (2 of 4 stars). 4 submissions from 4 submitters: Uncertain significance (4). Last evaluated 2025-06-09.

Conditions:
Cardiovascular phenotype. Identifiers: MedGen CN230736.
Noonan syndrome 8 (NS8). Identifiers: Orphanet 648, MedGen C3809233, MONDO:0014143, OMIM 615355.

Allele frequency attached by ClinVar (database versions not stated): gnomAD 0.00001; TOPMed 0.00001.
gnomAD v4.1: 7 of 1,614,134 alleles (0.00043%); highest among the groups gnomAD compares: South Asian, 0.0022%; no homozygotes.

Submissions (4):

Labcorp Genetics (formerly Invitae), Labcorp
Classification: Uncertain significance for Noonan syndrome 8. Last evaluated: 2025-06-09. Review status: criteria provided, single submitter. Criteria: Invitae Variant Classification Sherloc (09022015). Collection method: clinical testing. Allele origin: germline.
Comment: This sequence change replaces alanine, which is neutral and non-polar, with threonine, which is neutral and polar, at codon 16 of the RIT1 protein (p.Ala16Thr). This variant is present in population databases (no rsID available, gnomAD 0.01%). This variant has not been reported in the literature in individuals affected with RIT1-related conditions. ClinVar contains an entry for this variant (Variation ID: 430531). Invitae Evidence Modeling of protein sequence and biophysical properties (such as structural, functional, and spatial information, amino acid conservation, physicochemical variation, residue mobility, and thermodynamic stability) indicates that this missense variant is not expected to disrupt RIT1 protein function with a negative predictive value of 95%. In summary, the available evidence is currently insufficient to determine the role of this variant in disease. Therefore, it has been classified as a Variant of Uncertain Significance.

Ambry Genetics
Classification: Uncertain significance for Cardiovascular phenotype. Last evaluated: 2025-01-21. Review status: criteria provided, single submitter. Criteria: Ambry Variant Classification Scheme 2023. Collection method: clinical testing. Allele origin: germline.
Comment: The p.A16T variant (also known as c.46G>A), located in coding exon 1 of the RIT1 gene, results from a G to A substitution at nucleotide position 46. The alanine at codon 16 is replaced by threonine, an amino acid with similar properties. This variant was reported in individual(s) with features consistent with Noonan syndrome (Kruszka P. Am J Med Genet A. 2017 Sep;173(9):2323-2334). This amino acid position is well conserved in available vertebrate species. In addition, this alteration is predicted to be tolerated by in silico analysis. Based on the available evidence, the clinical significance of this variant remains unclear.

Genome-Nilou Lab
Classification: Uncertain significance for Noonan syndrome 8. Last evaluated: 2023-04-11. Review status: criteria provided, single submitter. Criteria: ACMG Guidelines, 2015. Collection method: clinical testing. Allele origin: germline. Affected: no.

GeneDx
Classification: Uncertain significance. Last evaluated: 2017-05-26. Review status: criteria provided, single submitter. Criteria: GeneDx Variant Classification (06012015). Collection method: clinical testing. Allele origin: germline. Affected: yes.
Comment: The A16T variant has not been published as a pathogenic variant, nor has it been reported as a benign variant to our knowledge. The variant is not observed in large population cohorts (Lek et al., 2016; 1000 Genomes Consortium et al., 2015; Exome Variant Server). A16T is a non-conservative amino acid substitution, which is likely to impact secondary protein structure as these residues differ in polarity, charge, size and/or other properties. This substitution occurs at a position that is conserved in mammals; however, in silico analysis is inconsistent in its predictions as to whether or not the variant is damaging to the protein structure/function. In summary, based on the currently available information, it is unclear whether this variant is a pathogenic variant or a rare benign variant.

Literature cited by the submitters: PubMed 28748642 (cited by Ambry Genetics).

NM_006912.6(RIT1):c.46G>A (p.Ala16Thr)

Gene: RIT1 (Ras like without CAAX 1; minus strand). Cytogenetic location: 1q22.
Variant type: single nucleotide variant.
Coding change: c.46G>A on transcript NM_006912.6 (MANE Select); coding-DNA position 46, G replaced by A.
Protein change: p.Ala16Thr; replaces alanine 16 with threonine.
Molecular consequence: missense variant. On other transcripts: intron variant (1).
Genome position (GRCh38, 1-based): chr1:155,910,716, C>T on the plus strand (G>A on the coding strand, the complement: RIT1 is on the minus strand). VCF-style: chr1-155910716-C-T. GRCh37 (hg19) VCF-style: chr1-155880507-C-T.
Other names: c.97G>A, p.Ala33Thr (NM_001256821.2); c.-2-210G>A (NM_001256820.2); c.46G>A, p.Ala16Thr (LRG_1372t1); short protein forms A16T, A33T.
Identifiers: ClinVar variation 430531 (VCV000430531.9), dbSNP rs1131692009, ClinGen allele CA342776396.
Genomic context (GRCh38, chr1:155,910,716, plus strand): 5'-CACTCTTCCCTACACCACCAGCACCCAGCATCACTAGTTTGTACTCCCGTGAGAGCCCAG[C>T]GGGGCTGCTACAGCAGCTACCAACTGGGCGAGTTCCAGAATCCATTGTCCTCTTGGGGCC-3'
Protein context (NP_008843.1, residues 6-26): RPVGSCCSSP[Ala16Thr]GLSREYKLVM